The following is an entry in ClinVar:

NM_000293.3(PHKB):c.1331del (p.Gly444fs)

Gene: PHKB (phosphorylase kinase regulatory subunit beta; plus strand). Cytogenetic location: 16q12.1.
Variant type: Deletion.
Coding change: c.1331del on transcript NM_000293.3 (MANE Select); coding-DNA position 1331, one base deleted (G; older notation c.1331delG).
Protein change: p.Gly444fs; shifts the reading frame from glycine 444.
Molecular consequence: frameshift variant.
Genome position (GRCh38, 1-based): chr16:47,596,499, G deleted; the last of 4 consecutive G bases (chr16:47,596,496-47,596,499); deleting any one gives the same sequence. VCF-style (leftmost placement, unchanged base first): chr16-47596495-TG-T. GRCh37 (hg19) VCF-style: chr16-47630406-TG-T.
Other names: c.1310del, p.Gly437fs (NM_001031835.3); c.1331del, p.Gly444fs (NM_001363837.1); short protein forms G444fs, G437fs.
Identifiers: ClinVar variation 2915559 (VCV002915559.3), dbSNP rs765849667, ClinGen allele CA8040769.
Genomic context (GRCh38, chr16:47,596,495, plus strand): 5'-AACCCTGGTAGTCAAAAACGATTTCCTAGCAACTGTGGCCGTGATGGAAAACTGTTTCTT[TG>T]GGGACAAGCACTTTATATCATCGCAAAACTCCTGGGTAAGTGGAGAAGATTGGGAATGGT-3'

ClinVar aggregate classification (germline): Pathogenic (1 of 4 stars; one submission).

Conditions:
Glycogen storage disease IXb (GSD9B). Also called: GLYCOGENOSIS OF LIVER AND MUSCLE, AUTOSOMAL RECESSIVE; GSD IXb; PHOSPHORYLASE KINASE DEFICIENCY OF LIVER AND MUSCLE, AUTOSOMAL RECESSIVE. Identifiers: Orphanet 79240, MedGen C0543514, MONDO:0009868, OMIM 261750.

Submission:

Labcorp Genetics (formerly Invitae), Labcorp
Classification: Pathogenic for Glycogen storage disease IXb. Last evaluated: 2023-02-21. Review status: criteria provided, single submitter. Criteria: Invitae Variant Classification Sherloc (09022015). Collection method: clinical testing. Allele origin: germline.
Comment: This sequence change creates a premature translational stop signal (p.Gly444Aspfs*30) in the PHKB gene. It is expected to result in an absent or disrupted protein product. Loss-of-function variants in PHKB are known to be pathogenic (PMID: 9215682, 9326319). For these reasons, this variant has been classified as Pathogenic. This variant has not been reported in the literature in individuals affected with PHKB-related conditions. This variant is present in population databases (rs765849667, gnomAD 0.0009%).

Literature cited by the submitters: PubMed 9215682; PubMed 9326319.